The following is an entry in ClinVar:

ClinVar aggregate classification (germline): Uncertain significance (1 of 4 stars; one submission).

Conditions:
Primary ciliary dyskinesia. Also called: Ciliary dyskinesia. Identifiers: Orphanet 244, MedGen C0008780, MONDO:0016575, HP:0012265.

Allele frequency attached by ClinVar (database versions not stated): gnomAD exomes below 0.00001; TOPMed below 0.00001.
gnomAD v4.1: 1 of 1,614,170 alleles (0.000062%); highest among the groups gnomAD compares: Admixed American, 0.0017%; no homozygotes.

Submission:

Labcorp Genetics (formerly Invitae), Labcorp
Classification: Uncertain significance for Primary ciliary dyskinesia. Last evaluated: 2020-07-24. Review status: criteria provided, single submitter. Criteria: Invitae Variant Classification Sherloc (09022015). Collection method: clinical testing. Allele origin: germline.
Comment: In summary, the available evidence is currently insufficient to determine the role of this variant in disease. Therefore, it has been classified as a Variant of Uncertain Significance. Algorithms developed to predict the effect of missense changes on protein structure and function output the following: SIFT: "Tolerated"; PolyPhen-2: "Benign"; Align-GVGD: "Class C0". The alanine amino acid residue is found in multiple mammalian species, suggesting that this missense change does not adversely affect protein function. These predictions have not been confirmed by published functional studies and their clinical significance is uncertain. This variant has not been reported in the literature in individuals with CCDC114-related conditions. This variant is not present in population databases (ExAC no frequency). This sequence change replaces valine with alanine at codon 212 of the CCDC114 protein (p.Val212Ala). The valine residue is weakly conserved and there is a small physicochemical difference between valine and alanine.

NM_001364171.2(ODAD1):c.746T>C (p.Val249Ala)

Gene: ODAD1 (outer dynein arm docking complex subunit 1; minus strand). Cytogenetic location: 19q13.33.
Variant type: single nucleotide variant.
Coding change: c.746T>C on transcript NM_001364171.2 (MANE Select); coding-DNA position 746, T replaced by C.
Protein change: p.Val249Ala; replaces valine 249 with alanine.
Molecular consequence: missense variant.
Genome position (GRCh38, 1-based): chr19:48,304,060, A>G on the plus strand (T>C on the coding strand, the complement: ODAD1 is on the minus strand). VCF-style: chr19-48304060-A-G. GRCh37 (hg19) VCF-style: chr19-48807317-A-G.
Other names: c.635T>C, p.Val212Ala (NM_144577.4); short protein forms V212A, V249A.
Identifiers: ClinVar variation 1042040 (VCV001042040.9), dbSNP rs1192630734, ClinGen allele CA406662081.